The following is an entry in ClinVar:

ClinVar aggregate classification (germline): Uncertain significance (1 of 4 stars; one submission).

Conditions:
Hermansky-Pudlak syndrome 2 (HPS2). Also called: Platelet defects and oculocutaneous albinism. Identifiers: Orphanet 183678, Orphanet 79430, MedGen C1842362, MONDO:0011997, OMIM 608233.

Submission:

Labcorp Genetics (formerly Invitae), Labcorp
Classification: Uncertain significance for Hermansky-Pudlak syndrome 2. Last evaluated: 2022-07-19. Review status: criteria provided, single submitter. Criteria: Invitae Variant Classification Sherloc (09022015). Collection method: clinical testing. Allele origin: germline.
Comment: This variant is not present in population databases (gnomAD no frequency). In summary, the available evidence is currently insufficient to determine the role of this variant in disease. Therefore, it has been classified as a Variant of Uncertain Significance. Algorithms developed to predict the effect of sequence changes on RNA splicing suggest that this variant may create or strengthen a splice site. Algorithms developed to predict the effect of missense changes on protein structure and function are either unavailable or do not agree on the potential impact of this missense change (SIFT: "Tolerated"; PolyPhen-2: "Possibly Damaging"; Align-GVGD: "Class C0"). ClinVar contains an entry for this variant (Variation ID: 1349248). This variant has not been reported in the literature in individuals affected with AP3B1-related conditions. This sequence change replaces lysine, which is basic and polar, with glutamic acid, which is acidic and polar, at codon 329 of the AP3B1 protein (p.Lys329Glu).

NM_003664.5(AP3B1):c.985A>G (p.Lys329Glu)

Gene: AP3B1 (adaptor related protein complex 3 subunit beta 1; minus strand). Cytogenetic location: 5q14.1.
Variant type: single nucleotide variant.
Coding change: c.985A>G on transcript NM_003664.5 (MANE Select); coding-DNA position 985, A replaced by G.
Protein change: p.Lys329Glu; replaces lysine 329 with glutamic acid.
Molecular consequence: missense variant.
Genome position (GRCh38, 1-based): chr5:78,177,394, T>C on the plus strand (A>G on the coding strand, the complement: AP3B1 is on the minus strand). VCF-style: chr5-78177394-T-C. GRCh37 (hg19) VCF-style: chr5-77473218-T-C.
Other names: c.838A>G, p.Lys280Glu (NM_001271769.2); short protein forms K280E, K329E.
Identifiers: ClinVar variation 1349248 (VCV001349248.6), dbSNP rs2112405535, ClinGen allele CA360189783.
Genomic context (GRCh38, chr5:78,177,394, plus strand): 5'-CCTACCTATTGCTACGAAGTAAACGCACTAGTGATTTAGAAATTATGCCAGCTTCAGATT[T>C]TGGTGATATGTGCCAATACAGCTGAGCAACTGCCATAACCACCTACAAGATAAAGCATAA-3'
Protein context (NP_003655.3, residues 319-339): VAQLYWHISP[Lys329Glu]SEAGIISKSL